The following is an entry in ClinVar:

ClinVar aggregate classification (germline): Uncertain significance. Review status: criteria provided, multiple submitters, no conflicts (2 of 4 stars). 2 submissions from 2 submitters: Uncertain significance (2). Last evaluated 2025-04-28.

Conditions:
Periodic fever-infantile enterocolitis-autoinflammatory syndrome. Also called: Autoinflammation with infantile enterocolitis. Identifiers: Orphanet 436166, MedGen C4015067, MONDO:0014472, OMIM 616050.
Familial cold autoinflammatory syndrome 4 (FCAS4). Identifiers: Orphanet 47045, Orphanet 576349, MedGen C4015276, MONDO:0014498, OMIM 616115.
Inborn genetic diseases. Identifiers: MedGen C0950123, MeSH D030342.

gnomAD v4.1: 10 of 1,608,428 alleles (0.00062%); highest among the groups gnomAD compares: East Asian, 0.02%; no homozygotes.

Submissions (2):

Labcorp Genetics (formerly Invitae), Labcorp
Classification: Uncertain significance for Periodic fever-infantile enterocolitis-autoinflammatory syndrome; Familial cold autoinflammatory syndrome 4. Last evaluated: 2025-04-28. Review status: criteria provided, single submitter. Criteria: Invitae Variant Classification Sherloc (09022015). Collection method: clinical testing. Allele origin: germline.
Comment: This sequence change replaces aspartic acid, which is acidic and polar, with glutamic acid, which is acidic and polar, at codon 99 of the NLRC4 protein (p.Asp99Glu). This variant is present in population databases (rs199475952, gnomAD 0.01%). This variant has not been reported in the literature in individuals affected with NLRC4-related conditions. ClinVar contains an entry for this variant (Variation ID: 1958279). Invitae Evidence Modeling of protein sequence and biophysical properties (such as structural, functional, and spatial information, amino acid conservation, physicochemical variation, residue mobility, and thermodynamic stability) indicates that this missense variant is not expected to disrupt NLRC4 protein function with a negative predictive value of 80%. In summary, the available evidence is currently insufficient to determine the role of this variant in disease. Therefore, it has been classified as a Variant of Uncertain Significance.

Ambry Genetics
Classification: Uncertain significance for Inborn genetic diseases. Last evaluated: 2023-04-19. Review status: criteria provided, single submitter. Criteria: Ambry Variant Classification Scheme 2023. Collection method: clinical testing. Allele origin: germline.

NM_001199138.2(NLRC4):c.297C>A (p.Asp99Glu)

Gene: NLRC4 (NLR family CARD domain containing 4; minus strand). Cytogenetic location: 2p22.3.
Variant type: single nucleotide variant.
Coding change: c.297C>A on transcript NM_001199138.2 (MANE Select); coding-DNA position 297, C replaced by A.
Protein change: p.Asp99Glu; replaces aspartic acid 99 with glutamic acid.
Molecular consequence: missense variant. On other transcripts: intron variant (1).
Genome position (GRCh38, 1-based): chr2:32,251,567, G>T on the plus strand (C>A on the coding strand, the complement: NLRC4 is on the minus strand). VCF-style: chr2-32251567-G-T. GRCh37 (hg19) VCF-style: chr2-32476636-G-T.
Other names: c.297C>A, p.Asp99Glu (NM_001199139.2, NM_021209.5); c.262+852C>A (NM_001302504.1); short protein forms D99E.
Identifiers: ClinVar variation 1958279 (VCV001958279.7), dbSNP rs199475952, ClinGen allele CA1602163.